The following is an entry in ClinVar:

NM_199420.4(POLQ):c.4756G>T (p.Val1586Leu)

Gene: POLQ (DNA polymerase theta; minus strand). Cytogenetic location: 3q13.33.
Variant type: single nucleotide variant.
Coding change: c.4756G>T on transcript NM_199420.4 (MANE Select); coding-DNA position 4756, G replaced by T.
Protein change: p.Val1586Leu; replaces valine 1586 with leucine.
Molecular consequence: missense variant.
Genome position (GRCh38, 1-based): chr3:121,488,175, C>A on the plus strand (G>T on the coding strand, the complement: POLQ is on the minus strand). VCF-style: chr3-121488175-C-A. GRCh37 (hg19) VCF-style: chr3-121207022-C-A.
Other names: short protein forms V1586L.
Identifiers: ClinVar variation 2624459 (VCV002624459.2), dbSNP rs2048030283, ClinGen allele CA354093938.
Genomic context (GRCh38, chr3:121,488,175, plus strand): 5'-GATCACCTTGGTGGTGCTCATCAAGTACTGGATCACTTAGTTCTAATGCTCTAGGAGATA[C>A]TACAGTATGATTCTTCTCTTGGACAGGAAATATATCCACATTGTCCAAAGCTTCAACCAT-3'
Protein context (NP_955452.3, residues 1576-1596): FPVQEKNHTV[Val1586Leu]SPRALELSDP

ClinVar aggregate classification (germline): Uncertain significance (1 of 4 stars; one submission).

Submission:

Ambry Genetics
Classification: Uncertain significance. Last evaluated: 2023-09-04. Review status: criteria provided, single submitter. Criteria: Ambry Variant Classification Scheme 2023. Collection method: clinical testing. Allele origin: germline.
Comment: The p.V1586L variant (also known as c.4756G>T), located in coding exon 16 of the POLQ gene, results from a G to T substitution at nucleotide position 4756. The valine at codon 1586 is replaced by leucine, an amino acid with highly similar properties. This amino acid position is conserved. In addition, this alteration is predicted to be tolerated by in silico analysis. Since supporting evidence is limited at this time, the clinical significance of this alteration remains unclear.